The following is an entry in ClinVar:

ClinVar aggregate classification (germline): Uncertain significance (1 of 4 stars; one submission).

Conditions:
Mosaic variegated aneuploidy syndrome 2 (MVA2). Identifiers: Orphanet 1052, MedGen C3279843, MONDO:0013582, OMIM 614114.

Submission:

Labcorp Genetics (formerly Invitae), Labcorp
Classification: Uncertain significance for Mosaic variegated aneuploidy syndrome 2. Last evaluated: 2021-03-29. Review status: criteria provided, single submitter. Criteria: Invitae Variant Classification Sherloc (09022015). Collection method: clinical testing. Allele origin: germline.
Comment: In summary, the available evidence is currently insufficient to determine the role of this variant in disease. Therefore, it has been classified as a Variant of Uncertain Significance. Algorithms developed to predict the effect of missense changes on protein structure and function are either unavailable or do not agree on the potential impact of this missense change (SIFT: "Deleterious"; PolyPhen-2: "Probably Damaging"; Align-GVGD: "Class C15"). This variant has not been reported in the literature in individuals with CEP57-related conditions. This variant is not present in population databases (ExAC no frequency). This sequence change replaces leucine with phenylalanine at codon 404 of the CEP57 protein (p.Leu404Phe). The leucine residue is highly conserved and there is a small physicochemical difference between leucine and phenylalanine.

NM_014679.5(CEP57):c.1212A>C (p.Leu404Phe)

Gene: CEP57 (centrosomal protein 57; plus strand). Cytogenetic location: 11q21.
Variant type: single nucleotide variant.
Coding change: c.1212A>C on transcript NM_014679.5 (MANE Select); coding-DNA position 1212, A replaced by C.
Protein change: p.Leu404Phe; replaces leucine 404 with phenylalanine.
Molecular consequence: missense variant.
Genome position (GRCh38, 1-based): chr11:95,829,271, A>C. VCF-style: chr11-95829271-A-C. GRCh37 (hg19) VCF-style: chr11-95562435-A-C.
Other names: c.1185A>C, p.Leu395Phe (NM_001243776.2); c.1134A>C, p.Leu378Phe (NM_001243777.2); c.1131A>C, p.Leu377Phe (NM_001363604.2); short protein forms L377F, L378F, L395F, L404F.
Identifiers: ClinVar variation 1349494 (VCV001349494.8), dbSNP rs1414836328, ClinGen allele CA382408873.
Genomic context (GRCh38, chr11:95,829,271, plus strand): 5'-TATCCAGGAGTCGCCAACCGTTGAACTGAAAGACAAGTTGGAGTGTGAATTGGAGGCATT[A>C]GTGGGAAGGATGGAAGCAAAAGCCAACCAAATAACTAAAGTTCGAAAATACCAAGCCCAG-3'
Protein context (NP_055494.2, residues 394-414): KDKLECELEA[Leu404Phe]VGRMEAKANQ